The following is an entry in ClinVar:

ClinVar aggregate classification (germline): Uncertain significance. Review status: criteria provided, multiple submitters, no conflicts (2 of 4 stars). 2 submissions from 2 submitters: Uncertain significance (2). Last evaluated 2025-09-27.

Allele frequency attached by ClinVar (database versions not stated): TOPMed below 0.00001; gnomAD 0.00001.
gnomAD v4.1: 4 of 1,613,954 alleles (0.00025%); highest among the groups gnomAD compares: Non-Finnish European, 0.00034%; no homozygotes.

Submissions (2):

Mayo Clinic Laboratories, Mayo Clinic
Classification: Uncertain significance. Last evaluated: 2025-09-27. Review status: criteria provided, single submitter. Criteria: ACMG Guidelines, 2015. Collection method: clinical testing. Allele origin: germline. Observed: 1 variant allele.

Labcorp Genetics (formerly Invitae), Labcorp
Classification: Uncertain significance. Last evaluated: 2021-01-19. Review status: criteria provided, single submitter. Criteria: Invitae Variant Classification Sherloc (09022015). Collection method: clinical testing. Allele origin: germline.
Comment: This variant has not been reported in the literature in individuals with TPP1-related conditions. This sequence change replaces serine with asparagine at codon 294 of the TPP1 protein (p.Ser294Asn). The serine residue is moderately conserved and there is a small physicochemical difference between serine and asparagine. This variant is not present in population databases (ExAC no frequency). Algorithms developed to predict the effect of missense changes on protein structure and function output the following: SIFT: "Tolerated"; PolyPhen-2: "Benign"; Align-GVGD: "Class C0". The asparagine amino acid residue is found in multiple mammalian species, suggesting that this missense change does not adversely affect protein function. These predictions have not been confirmed by published functional studies and their clinical significance is uncertain. In summary, the available evidence is currently insufficient to determine the role of this variant in disease. Therefore, it has been classified as a Variant of Uncertain Significance.

NM_000391.4(TPP1):c.881G>A (p.Ser294Asn)

Gene: TPP1 (tripeptidyl peptidase 1; minus strand). Cytogenetic location: 11p15.4.
Variant type: single nucleotide variant.
Coding change: c.881G>A on transcript NM_000391.4 (MANE Select); coding-DNA position 881, G replaced by A.
Protein change: p.Ser294Asn; replaces serine 294 with asparagine.
Molecular consequence: missense variant.
Genome position (GRCh38, 1-based): chr11:6,616,666, C>T on the plus strand (G>A on the coding strand, the complement: TPP1 is on the minus strand). VCF-style: chr11-6616666-C-T. GRCh37 (hg19) VCF-style: chr11-6637897-C-T.
Other names: p.Ser294Asn; short protein forms S294N.
Identifiers: ClinVar variation 940047 (VCV000940047.10), dbSNP rs1230170822, ClinGen allele CA379474813.